The following is an entry in ClinVar:

ClinVar aggregate classification (germline): Uncertain significance (1 of 4 stars; one submission).

Conditions:
Familial hypobetalipoproteinemia 1. Also called: APOB-Related Familial Hypobetalipoproteinemia; Hypobetalipoproteinemia, normotriglyceridemic; Acanthocytosis with hypobetalipoproteinemia. Identifiers: MedGen C4551990, MONDO:0014252, OMIM 615558.
Hypercholesterolemia, autosomal dominant, type B (FHCL2). Also called: Familial Hypercholesterolemia Type B; APOLIPOPROTEIN B-100, FAMILIAL DEFECTIVE; APOLIPOPROTEIN B-100, FAMILIAL LIGAND-DEFECTIVE; HYPERCHOLESTEROLEMIA, FAMILIAL, DUE TO LIGAND-DEFECTIVE APOLIPOPROTEIN B; Hyperlipoproteinemia Type IIb; Familial hypercholesterolemia 2. Identifiers: MedGen C1704417, MONDO:0007751, OMIM 144010.

Allele frequency attached by ClinVar (database versions not stated): TOPMed 0.00002.
gnomAD v4.1: 7 of 1,603,924 alleles (0.00044%); highest among the groups gnomAD compares: Non-Finnish European, 0.0006%; no homozygotes.

Submission:

Labcorp Genetics (formerly Invitae), Labcorp
Classification: Uncertain significance for Familial hypobetalipoproteinemia 1; Hypercholesterolemia, autosomal dominant, type B. Last evaluated: 2024-11-24. Review status: criteria provided, single submitter. Criteria: Invitae Variant Classification Sherloc (09022015). Collection method: clinical testing. Allele origin: germline.
Comment: This sequence change replaces threonine, which is neutral and polar, with serine, which is neutral and polar, at codon 285 of the APOB protein (p.Thr285Ser). This variant is not present in population databases (gnomAD no frequency). This variant has not been reported in the literature in individuals affected with APOB-related conditions. Invitae Evidence Modeling of protein sequence and biophysical properties (such as structural, functional, and spatial information, amino acid conservation, physicochemical variation, residue mobility, and thermodynamic stability) indicates that this missense variant is not expected to disrupt APOB protein function with a negative predictive value of 95%. In summary, the available evidence is currently insufficient to determine the role of this variant in disease. Therefore, it has been classified as a Variant of Uncertain Significance.

NM_000384.3(APOB):c.854C>G (p.Thr285Ser)

Gene: APOB (apolipoprotein B; minus strand). Cytogenetic location: 2p24.1.
Variant type: single nucleotide variant.
Coding change: c.854C>G on transcript NM_000384.3 (MANE Select); coding-DNA position 854, C replaced by G.
Protein change: p.Thr285Ser; replaces threonine 285 with serine.
Molecular consequence: missense variant.
Genome position (GRCh38, 1-based): chr2:21,034,866, G>C on the plus strand (C>G on the coding strand, the complement: APOB is on the minus strand). VCF-style: chr2-21034866-G-C. GRCh37 (hg19) VCF-style: chr2-21257738-G-C.
Other names: short protein forms T285S.
Identifiers: ClinVar variation 3762128 (VCV003762128.2), dbSNP rs767888168.